The following is an entry in ClinVar:

ClinVar aggregate classification (germline): Benign (1 of 4 stars; one submission).

Allele frequency attached by ClinVar (database versions not stated): 1000 Genomes Project 30x 0.14866; 1000 Genomes Project 0.14597; TOPMed 0.15219; gnomAD 0.14777.
gnomAD v4.1: 21,350 of 152,082 alleles (14%); highest among the groups gnomAD compares: African/African-American, 37%; 3,068 homozygotes.

Submission:

GeneDx
Classification: Benign. Last evaluated: 2018-06-19. Review status: criteria provided, single submitter. Criteria: GeneDx Variant Classification (06012015). Collection method: clinical testing. Allele origin: germline. Affected: yes.
Comment: This variant is considered likely benign or benign based on one or more of the following criteria: it is a conservative change, it occurs at a poorly conserved position in the protein, it is predicted to be benign by multiple in silico algorithms, and/or has population frequency not consistent with disease.

NM_033109.5(PNPT1):c.1496-223G>A

Gene: PNPT1 (polyribonucleotide nucleotidyltransferase 1; minus strand). Cytogenetic location: 2p16.1.
Variant type: single nucleotide variant.
Coding change: c.1496-223G>A on transcript NM_033109.5 (MANE Select); 223 bases into the intron before coding-DNA position 1496, G replaced by A.
Molecular consequence: intron variant.
Genome position (GRCh38, 1-based): chr2:55,647,676, C>T on the plus strand (G>A on the coding strand, the complement: PNPT1 is on the minus strand). VCF-style: chr2-55647676-C-T. GRCh37 (hg19) VCF-style: chr2-55874811-C-T.
Identifiers: ClinVar variation 683569 (VCV000683569.1), dbSNP rs12616982, ClinGen allele CA11068335.